The following is an entry in ClinVar:

NM_007294.4(BRCA1):c.152T>G (p.Leu51Arg)

Gene: BRCA1 (BRCA1 DNA repair associated; minus strand). Cytogenetic location: 17q21.31.
Variant type: single nucleotide variant.
Coding change: c.152T>G on transcript NM_007294.4 (MANE Select); coding-DNA position 152, T replaced by G.
Protein change: p.Leu51Arg; replaces leucine 51 with arginine.
Molecular consequence: missense variant. On other transcripts: non-coding transcript variant (1).
Genome position (GRCh38, 1-based): chr17:43,106,516, A>C on the plus strand (T>G on the coding strand, the complement: BRCA1 is on the minus strand). VCF-style: chr17-43106516-A-C. GRCh37 (hg19) VCF-style: chr17-41258533-A-C.
Other names: c.11T>G, p.Leu4Arg (NM_001408454.1, NM_001408455.1, NM_001408456.1 and 99 more transcripts); c.152T>G, p.Leu51Arg (NM_001408472.1, NM_001408473.1, NM_001408494.1 and 168 more transcripts); c.-37T>G (NM_001408478.1, NM_001408479.1, NM_001408480.1 and 58 more transcripts); short protein forms L51R, L4R.
Identifiers: ClinVar variation 865205 (VCV000865205.3), dbSNP rs1555597285, ClinGen allele CA10601849.
Genomic context (GRCh38, chr17:43,106,516, plus strand): 5'-CTTTTGGTTATATCATTCTTACATAAAGGACACTGTGAAGGCCCTTTCTTCTGGTTGAGA[A>C]GTTTCAGCATGCAAAATCTATAAATTATAAAGAAAGAAAGAACAATTTAATTTACTTCCT-3'
Protein context (NP_009225.1, residues 41-61): HIFCKFCMLK[Leu51Arg]LNQKKGPSQC

Conditions:
Breast-ovarian cancer, familial, susceptibility to, 1 (BROVCA1). Also called: BRCA1 Hereditary Breast and Ovarian Cancer; OVARIAN CANCER, SUSCEPTIBILITY TO. Identifiers: Orphanet 145, MedGen C2676676, MONDO:0011450, OMIM 604370. Disease mechanism: loss of function.

Submission:

Brotman Baty Institute, University of Washington
No classification provided (evidence only). Condition: Breast-ovarian cancer, familial 1. Review status: no classification provided. Collection method: in vitro. Allele origin: not applicable. Functional consequence: functionally_normal.
ClinVar note: "not provided" was previously submitted as the classification for the variant. However, the classification appeared to be based only on an observation of functional data so it was converted to no classification on 2025-07-30.